The following is an entry in ClinVar:

NM_000059.4(BRCA2):c.632-771A>T

Gene: BRCA2 (BRCA2 DNA repair associated; plus strand). Cytogenetic location: 13q13.1.
Variant type: single nucleotide variant.
Coding change: c.632-771A>T on transcript NM_000059.4 (MANE Select); 771 bases into the intron before coding-DNA position 632, A replaced by T.
Molecular consequence: intron variant.
Genome position (GRCh38, 1-based): chr13:32,328,672, A>T. VCF-style: chr13-32328672-A-T. GRCh37 (hg19) VCF-style: chr13-32902809-A-T.
Other names: IVS 7-771A>T.
Identifiers: ClinVar variation 209662 (VCV000209662.1), dbSNP rs113496137, ClinGen allele CA276631.

ClinVar aggregate classification (germline): Benign (3 of 4 stars; one submission).

Conditions:
Breast-ovarian cancer, familial, susceptibility to, 2 (BROVCA2). Also called: BRCA2 Hereditary Breast and Ovarian Cancer. Identifiers: Orphanet 145, MedGen C2675520, MONDO:0012933, OMIM 612555. Disease mechanism: loss of function.

Allele frequency attached by ClinVar (database versions not stated): gnomAD 0.00747 and 0.00806; 1000 Genomes Project 0.00819; TOPMed 0.00836; 1000 Genomes Project 30x 0.00843.
gnomAD v4.1: 1,129 of 152,318 alleles (0.74%); highest among the groups gnomAD compares: African/African-American, 2.6%; 20 homozygotes.

Submission:

Evidence-based Network for the Interpretation of Germline Mutant Alleles (ENIGMA)
Classification: Benign for Breast-ovarian cancer, familial 2. Last evaluated: 2015-01-12. Review status: reviewed by expert panel. Criteria: ENIGMA BRCA1/2 Classification Criteria (2015). Collection method: curation. Allele origin: germline.
Comment: Class 1 not pathogenic based on frequency >1% in an outbred sampleset. Frequency 0.04065 (African), derived from 1000 genomes (2012-04-30).